The following is an entry in ClinVar:

ClinVar aggregate classification (germline): Likely benign (1 of 4 stars; one submission).

Allele frequency attached by ClinVar (database versions not stated): gnomAD exomes below 0.00001 and 0.00002; ExAC 0.00001.
gnomAD v4.1: 7 of 1,612,468 alleles (0.00043%); highest among the groups gnomAD compares: Admixed American, 0.0083%; no homozygotes.

Submission:

Laboratory for Molecular Medicine, Mass General Brigham Personalized Medicine
Classification: Likely benign. Last evaluated: 2014-04-04. Review status: criteria provided, single submitter. Criteria: LMM Criteria. Collection method: clinical testing. Allele origin: germline. Observed: 1 variant allele.
Comment: Ile14472Val in exon 219 of TTN This variant is not expected to have clinical sig nificance due to a lack of evolutionary conservation. Of note, several mammalian , bird and fish species have a valine (Val) at this position despite high nearby amino acid conservation.

NM_001267550.2(TTN):c.51118A>G (p.Ile17040Val)

Genes: TTN (titin; minus strand), TTN-AS1 (TTN antisense RNA 1; plus strand). Cytogenetic location: 2q31.2.
Variant type: single nucleotide variant.
Coding change: c.51118A>G on transcript NM_001267550.2 (MANE Select); coding-DNA position 51118, A replaced by G.
Protein change: p.Ile17040Val; replaces isoleucine 17040 with valine.
Molecular consequence: missense variant.
Genome position (GRCh38, 1-based): chr2:178,611,011, T>C on the plus strand (A>G on the coding strand, the complement: TTN is on the minus strand). VCF-style: chr2-178611011-T-C. GRCh37 (hg19) VCF-style: chr2-179475738-T-C.
Other names: c.43414A>G, p.Ile14472Val (NM_133378.4); c.46195A>G, p.Ile15399Val (NM_001256850.1); c.23923A>G, p.Ile7975Val (NM_003319.4); c.24298A>G, p.Ile8100Val (NM_133432.3); c.24499A>G, p.Ile8167Val (NM_133437.4); short protein forms I14472V, I17040V, I7975V, I15399V, I8100V, I8167V.
Identifiers: ClinVar variation 179670 (VCV000179670.5), dbSNP rs727505039, ClinGen allele CA184895.